The following is an entry in ClinVar:

NM_031935.3(HMCN1):c.12290C>T (p.Thr4097Met)

Gene: HMCN1 (hemicentin 1; plus strand). Cytogenetic location: 1q31.1.
Variant type: single nucleotide variant.
Coding change: c.12290C>T on transcript NM_031935.3 (MANE Select); coding-DNA position 12290, C replaced by T.
Protein change: p.Thr4097Met; replaces threonine 4097 with methionine.
Molecular consequence: missense variant.
Genome position (GRCh38, 1-based): chr1:186,123,011, C>T. VCF-style: chr1-186123011-C-T. GRCh37 (hg19) VCF-style: chr1-186092143-C-T.
Other names: short protein forms T4097M.
Identifiers: ClinVar variation 1406597 (VCV001406597.6), dbSNP rs370916387, ClinGen allele CA1294320.

ClinVar aggregate classification (germline): Uncertain significance (1 of 4 stars; one submission).

Allele frequency attached by ClinVar (database versions not stated): gnomAD 0.00001; gnomAD exomes 0.00001 and 0.00002; TOPMed 0.00001; ExAC 0.00002; ESP Exome Variant Server 0.00008.
gnomAD v4.1: 14 of 1,614,010 alleles (0.00087%); highest among the groups gnomAD compares: Admixed American, 0.0067%; no homozygotes.

Submission:

Labcorp Genetics (formerly Invitae), Labcorp
Classification: Uncertain significance. Last evaluated: 2023-12-05. Review status: criteria provided, single submitter. Criteria: Invitae Variant Classification Sherloc (09022015). Collection method: clinical testing. Allele origin: germline.
Comment: This sequence change replaces threonine, which is neutral and polar, with methionine, which is neutral and non-polar, at codon 4097 of the HMCN1 protein (p.Thr4097Met). This variant is present in population databases (rs370916387, gnomAD 0.01%). This variant has not been reported in the literature in individuals affected with HMCN1-related conditions. ClinVar contains an entry for this variant (Variation ID: 1406597). Algorithms developed to predict the effect of missense changes on protein structure and function output the following: SIFT: "Not Available"; PolyPhen-2: "Benign"; Align-GVGD: "Not Available". The methionine amino acid residue is found in multiple mammalian species, which suggests that this missense change does not adversely affect protein function. In summary, the available evidence is currently insufficient to determine the role of this variant in disease. Therefore, it has been classified as a Variant of Uncertain Significance.